The following is an entry in ClinVar:

ClinVar aggregate classification (germline): Conflicting classifications of pathogenicity. Review status: criteria provided, conflicting classifications (1 of 4 stars). 4 submissions from 4 submitters: Likely pathogenic (3); Uncertain significance (1). Last evaluated 2024-06-24.

Conditions:
Mucopolysaccharidosis type 6 (MPS6). Also called: N-ACETYLGALACTOSAMINE-4-SULFATASE DEFICIENCY; MPS VI; MPS 6; Maroteaux Lamy syndrome; ARSB DEFICIENCY; ARYLSULFATASE B DEFICIENCY. Identifiers: Orphanet 583, MedGen C0026709, MONDO:0009661, OMIM 253200.

Allele frequency attached by ClinVar (database versions not stated): gnomAD exomes below 0.00001; ExAC 0.00001.
gnomAD v4.1: 5 of 1,614,050 alleles (0.00031%); highest among the groups gnomAD compares: Non-Finnish European, 0.00042%; no homozygotes.

Submissions (4):

Labcorp Genetics (formerly Invitae), Labcorp
Classification: Uncertain significance for Mucopolysaccharidosis type 6. Last evaluated: 2024-06-24. Review status: criteria provided, single submitter. Criteria: Invitae Variant Classification Sherloc (09022015). Collection method: clinical testing. Allele origin: germline.
Comment: This sequence change replaces leucine, which is neutral and non-polar, with proline, which is neutral and non-polar, at codon 498 of the ARSB protein (p.Leu498Pro). This variant is present in population databases (rs774358117, gnomAD 0.0009%). This missense change has been observed in individual(s) with mucopolysaccharidosis type VI (PMID: 8651289). ClinVar contains an entry for this variant (Variation ID: 559717). Advanced modeling of protein sequence and biophysical properties (such as structural, functional, and spatial information, amino acid conservation, physicochemical variation, residue mobility, and thermodynamic stability) performed at Invitae indicates that this missense variant is expected to disrupt ARSB protein function with a positive predictive value of 95%. Experimental studies have shown that this missense change affects ARSB function (PMID: 8651289). In summary, the available evidence is currently insufficient to determine the role of this variant in disease. Therefore, it has been classified as a Variant of Uncertain Significance.

Fulgent Genetics
Classification: Likely pathogenic for Mucopolysaccharidosis type 6. Last evaluated: 2024-04-20. Review status: criteria provided, single submitter. Criteria: ACMG Guidelines, 2015. Collection method: clinical testing. Allele origin: germline.

Baylor Genetics
Classification: Likely pathogenic for Mucopolysaccharidosis type 6. Last evaluated: 2023-04-13. Review status: criteria provided, single submitter. Criteria: ACMG Guidelines, 2015. Collection method: clinical testing. Allele origin: unknown.

Laboratory of Diagnosis and Therapy of Lysosomal Disorders, University of Padova
Classification: Likely pathogenic for Mucopolysaccharidosis type 6. Last evaluated: 2018-01-01. Review status: criteria provided, single submitter. Criteria: ACMG Guidelines, 2015. Collection method: curation. Allele origin: germline. Affected: yes.
Comment: In vitro functional studies supportive of a damaging effect on the gene product (low to no ARSB activity in homozygotes; PS3); Very low frequency in ExAC (PM2)

Literature cited by the submitters: PubMed 8651289 (cited by Labcorp Genetics (formerly Invitae), Labcorp and Laboratory of Diagnosis and Therapy of Lysosomal Disorders, University of Padova); PubMed 30118150 (cited by Laboratory of Diagnosis and Therapy of Lysosomal Disorders, University of Padova).

NM_000046.5(ARSB):c.1493T>C (p.Leu498Pro)

Gene: ARSB (arylsulfatase B; minus strand). Cytogenetic location: 5q14.1.
Variant type: single nucleotide variant.
Coding change: c.1493T>C on transcript NM_000046.5 (MANE Select); coding-DNA position 1493, T replaced by C.
Protein change: p.Leu498Pro; replaces leucine 498 with proline.
Molecular consequence: missense variant.
Genome position (GRCh38, 1-based): chr5:78,780,506, A>G on the plus strand (T>C on the coding strand, the complement: ARSB is on the minus strand). VCF-style: chr5-78780506-A-G. GRCh37 (hg19) VCF-style: chr5-78076329-A-G.
Other names: short protein forms L498P.
Identifiers: ClinVar variation 559717 (VCV000559717.5), dbSNP rs774358117, ClinGen allele CA3317975.